The following is an entry in ClinVar:

NM_014391.3(ANKRD1):c.437C>G (p.Pro146Arg)

Gene: ANKRD1 (ankyrin repeat domain 1; minus strand). Cytogenetic location: 10q23.31.
Variant type: single nucleotide variant.
Coding change: c.437C>G on transcript NM_014391.3 (MANE Select); coding-DNA position 437, C replaced by G.
Protein change: p.Pro146Arg; replaces proline 146 with arginine.
Molecular consequence: missense variant.
Genome position (GRCh38, 1-based): chr10:90,918,881, G>C on the plus strand (C>G on the coding strand, the complement: ANKRD1 is on the minus strand). VCF-style: chr10-90918881-G-C. GRCh37 (hg19) VCF-style: chr10-92678638-G-C.
Other names: short protein forms P146R.
Identifiers: ClinVar variation 1011528 (VCV001011528.8), dbSNP rs1181799982, ClinGen allele CA377552078.

ClinVar aggregate classification (germline): Uncertain significance (1 of 4 stars; one submission).

Conditions:
ANKRD1-related dilated cardiomyopathy. Identifiers: MedGen CN119551.

Submission:

Labcorp Genetics (formerly Invitae), Labcorp
Classification: Uncertain significance for ANKRD1-related dilated cardiomyopathy. Last evaluated: 2020-07-10. Review status: criteria provided, single submitter. Criteria: Invitae Variant Classification Sherloc (09022015). Collection method: clinical testing. Allele origin: germline.
Comment: This variant has not been reported in the literature in individuals with ANKRD1-related conditions. Algorithms developed to predict the effect of missense changes on protein structure and function are either unavailable or do not agree on the potential impact of this missense change (SIFT: "Deleterious"; PolyPhen-2: "Probably Damaging"; Align-GVGD: "Class C0"). In summary, the available evidence is currently insufficient to determine the role of this variant in disease. Therefore, it has been classified as a Variant of Uncertain Significance. This variant is not present in population databases (ExAC no frequency). This sequence change replaces proline with arginine at codon 146 of the ANKRD1 protein (p.Pro146Arg). The proline residue is highly conserved and there is a moderate physicochemical difference between proline and arginine.